The following is an entry in ClinVar:

ClinVar aggregate classification (germline): Conflicting classifications of pathogenicity. Review status: criteria provided, conflicting classifications (1 of 4 stars). 15 submissions from 14 submitters: Uncertain significance (6); Benign (1); Likely benign (3). 5 of the submissions do not count toward it. Last evaluated 2026-02-02.

Conditions:
NEB-related disorder. Also called: NEB-related condition; NEB-Related Disorders.
Nemaline myopathy 2 (NEM2). Also called: Nemaline myopathy 2, autosomal recessive. Identifiers: MedGen C1850569, MONDO:0009725, OMIM 256030.
Congenital muscular dystrophy. Identifiers: Orphanet 97242, MedGen C0699743, MONDO:0019950. Disease mechanism: loss of function.
Muscle weakness. Identifiers: MedGen C0151786, HP:0001324.

Allele frequency attached by ClinVar (database versions not stated): 1000 Genomes Project 0.00140; 1000 Genomes Project 30x 0.00141; ExAC 0.00176; gnomAD exomes 0.00196 and 0.00256; gnomAD 0.00198 and 0.00208; ESP Exome Variant Server 0.00200; TOPMed 0.00286.
gnomAD v4.1: 4,034 of 1,612,568 alleles (0.25%); highest among the groups gnomAD compares: Admixed American, 0.44%; 10 homozygotes.

Submissions (15):

Labcorp Genetics (formerly Invitae), Labcorp
Classification: Likely benign for Nemaline myopathy 2. Last evaluated: 2026-02-02. Review status: criteria provided, single submitter. Criteria: Invitae Variant Classification Sherloc (09022015). Collection method: clinical testing. Allele origin: germline.

CeGaT Center for Human Genetics Tuebingen
Classification: Likely benign. Last evaluated: 2025-10-01. Review status: criteria provided, single submitter. Criteria: CeGaT Center For Human Genetics Tuebingen Variant Classification Criteria Version 2. Collection method: clinical testing. Allele origin: germline. Affected: yes. Observed: 6 variant alleles.
Comment: NEB: BS2

Blueprint Genetics
Classification: Likely benign. Last evaluated: 2024-11-25. Review status: criteria provided, single submitter. Criteria: ACMG Guidelines, 2015. Collection method: clinical testing. Allele origin: germline.

Mayo Clinic Laboratories, Mayo Clinic
Classification: Benign. Last evaluated: 2024-02-28. Review status: criteria provided, single submitter. Criteria: ACMG Guidelines, 2015. Collection method: clinical testing. Allele origin: germline. Observed: 5 variant alleles.
Comment: BS1, BS2

Illumina Laboratory Services, Illumina
Classification: Uncertain significance for Nemaline myopathy 2. Last evaluated: 2018-01-13. Review status: criteria provided, single submitter. Criteria: ICSL Variant Classification Criteria 13 December 2019. Collection method: clinical testing. Allele origin: germline.

GeneDx
Classification: Uncertain significance. Last evaluated: 2016-12-02. Review status: criteria provided, single submitter. Criteria: GeneDx Variant Classification (06012015). Collection method: clinical testing. Allele origin: germline. Affected: yes.
Comment: The T8491M variants in the NEB gene has not been reported previously as a pathogenic variant, nor as a benign variant, to our knowledge. While not present in the homozygous state, the NHLBI Exome Sequencing Project reports T8491M was observed in 22/8232 (0.3%) alleles from individuals of European American background and the 1000 Genomes Project reports this variant was observed in 2/214 (0.9%) alleles from individuals of Italian ancestry, indicating it may be a rare variant in these populations. The T8491M variant is a non-conservative amino acid substitution, which is likely to impact secondary protein structure as these residues differ in polarity, charge, size and/or other properties. This substitution occurs at a position that is conserved across species, and in silico analysis predicts this variant is probably damaging to the protein structure/function. We interpret T8491M as a variant of uncertain significance.

Centre for Mendelian Genomics, University Medical Centre Ljubljana
Classification: Uncertain significance for Nemaline myopathy 2. Last evaluated: 2016-01-01. Review status: criteria provided, single submitter. Criteria: ACMG Guidelines, 2015. Collection method: clinical testing. Allele origin: unknown. Affected: yes.
Comment: This variant was classified as: Uncertain significance.

Genomic Diagnostic Laboratory, Division of Genomic Diagnostics, Children's Hospital of Philadelphia
Classification: Uncertain significance. Last evaluated: 2015-07-01. Review status: criteria provided, single submitter. Criteria: DGD Variant Analysis Guidelines. Collection method: clinical testing. Allele origin: unknown.

Eurofins Ntd Llc (ga)
Classification: Uncertain significance. Last evaluated: 2014-11-20. Review status: criteria provided, single submitter. Criteria: EGL Classification Definitions 2015. Collection method: clinical testing. Allele origin: germline. Observed: 2 variant alleles, 2 heterozygotes.

Centre for Mendelian Genomics, University Medical Centre Ljubljana
Classification: Uncertain significance for Muscular dystrophy; Muscle weakness. Last evaluated: 2014-05-21. Review status: criteria provided, single submitter. Criteria: ACMG Guidelines, 2015. Collection method: clinical testing. Allele origin: unknown. Affected: yes.

Natera, Inc.
Classification: Likely benign for Nemaline myopathy type 2. Last evaluated: 2020-01-13. Review status: no assertion criteria provided. Collection method: clinical testing. Allele origin: germline. Not counted in ClinVar's aggregate classification.

PreventionGenetics, part of Exact Sciences
Classification: Likely benign for NEB-related condition. Last evaluated: 2019-06-05. Review status: no assertion criteria provided. Collection method: clinical testing. Allele origin: germline. Not counted in ClinVar's aggregate classification.
Comment: This variant is classified as likely benign based on ACMG/AMP sequence variant interpretation guidelines (Richards et al. 2015 PMID: 25741868, with internal and published modifications).

Clinical Genetics DNA and cytogenetics Diagnostics Lab, Erasmus MC, Erasmus Medical Center
Classification: Likely benign. Review status: no assertion criteria provided. Collection method: clinical testing. Allele origin: germline. Affected: yes. Study: VKGL Data-share Consensus. Not counted in ClinVar's aggregate classification.

Genome Diagnostics Laboratory, University Medical Center Utrecht
Classification: Likely benign. Review status: no assertion criteria provided. Collection method: clinical testing. Allele origin: germline. Affected: yes. Study: VKGL Data-share Consensus. Not counted in ClinVar's aggregate classification.

Laboratory of Diagnostic Genome Analysis, Leiden University Medical Center (LUMC)
Classification: Likely benign. Review status: no assertion criteria provided. Collection method: clinical testing. Allele origin: germline. Affected: yes. Study: VKGL Data-share Consensus. Not counted in ClinVar's aggregate classification.

NM_001164508.2(NEB):c.25367C>T (p.Thr8456Met)

Genes: RIF1 (replication timing regulatory factor 1; plus strand), NEB (nebulin; minus strand). Cytogenetic location: 2q23.3.
Variant type: single nucleotide variant.
Coding change: c.25367C>T on transcript NM_001164508.2 (MANE Select); coding-DNA position 25367, C replaced by T.
Protein change: p.Thr8456Met; replaces threonine 8456 with methionine.
Molecular consequence: missense variant.
Genome position (GRCh38, 1-based): chr2:151,490,008, G>A on the plus strand (C>T on the coding strand, the complement: NEB is on the minus strand). VCF-style: chr2-151490008-G-A. GRCh37 (hg19) VCF-style: chr2-152346522-G-A.
Other names: p.Thr8491Met; c.25367C>T, p.Thr8456Met (NM_001164507.2); c.25472C>T, p.Thr8491Met (NM_001271208.2); c.19799C>T, p.Thr6600Met (NM_004543.5); short protein forms T8491M, T6600M, T8456M.
Identifiers: ClinVar variation 194453 (VCV000194453.60), dbSNP rs78592085, ClinGen allele CA240416.